The following is an entry in ClinVar:

NM_001367823.1(ARHGEF18):c.2956T>C (p.Ser986Pro)

Gene: ARHGEF18 (Rho/Rac guanine nucleotide exchange factor 18; plus strand). Cytogenetic location: 19p13.2.
Variant type: single nucleotide variant.
Coding change: c.2956T>C on transcript NM_001367823.1 (MANE Select); coding-DNA position 2956, T replaced by C.
Protein change: p.Ser986Pro; replaces serine 986 with proline.
Molecular consequence: missense variant.
Genome position (GRCh38, 1-based): chr19:7,466,969, T>C. VCF-style: chr19-7466969-T-C. GRCh37 (hg19) VCF-style: chr19-7531855-T-C.
Other names: c.2230T>C, p.Ser744Pro (NM_001130955.2); c.1918T>C, p.Ser640Pro (NM_001367824.1, NM_015318.4); c.2392T>C (NM_001130955.1); short protein forms S640P, S744P, S986P.
Identifiers: ClinVar variation 1349385 (VCV001349385.8), dbSNP rs1976662388, ClinGen allele CA403085807.

ClinVar aggregate classification (germline): Uncertain significance. Review status: criteria provided, multiple submitters, no conflicts (2 of 4 stars). 2 submissions from 2 submitters: Uncertain significance (2). Last evaluated 2025-04-12.

Conditions:
Inborn genetic diseases. Identifiers: MedGen C0950123, MeSH D030342.

Allele frequency attached by ClinVar (database versions not stated): TOPMed 0.00001; gnomAD 0.00001.
gnomAD v4.1: 2 of 1,612,648 alleles (0.00012%); highest among the groups gnomAD compares: Non-Finnish European, 0.000085%; no homozygotes.

Submissions (2):

Ambry Genetics
Classification: Uncertain significance for Inborn genetic diseases. Last evaluated: 2025-04-12. Review status: criteria provided, single submitter. Criteria: Ambry Variant Classification Scheme 2023. Collection method: clinical testing. Allele origin: germline.

Labcorp Genetics (formerly Invitae), Labcorp
Classification: Uncertain significance. Last evaluated: 2022-06-27. Review status: criteria provided, single submitter. Criteria: Invitae Variant Classification Sherloc (09022015). Collection method: clinical testing. Allele origin: germline.
Comment: In summary, the available evidence is currently insufficient to determine the role of this variant in disease. Therefore, it has been classified as a Variant of Uncertain Significance. Algorithms developed to predict the effect of missense changes on protein structure and function (SIFT, PolyPhen-2, Align-GVGD) all suggest that this variant is likely to be tolerated. This variant has not been reported in the literature in individuals affected with ARHGEF18-related conditions. This variant is not present in population databases (gnomAD no frequency). This sequence change replaces serine, which is neutral and polar, with proline, which is neutral and non-polar, at codon 798 of the ARHGEF18 protein (p.Ser798Pro).